The following is an entry in ClinVar:

NM_002693.3(POLG):c.2308T>C (p.Phe770Leu)

Gene: POLG (DNA polymerase gamma, catalytic subunit; minus strand). Cytogenetic location: 15q26.1.
Variant type: single nucleotide variant.
Coding change: c.2308T>C on transcript NM_002693.3 (MANE Select); coding-DNA position 2308, T replaced by C.
Protein change: p.Phe770Leu; replaces phenylalanine 770 with leucine.
Molecular consequence: missense variant.
Genome position (GRCh38, 1-based): chr15:89,322,860, A>G on the plus strand (T>C on the coding strand, the complement: POLG is on the minus strand). VCF-style: chr15-89322860-A-G. GRCh37 (hg19) VCF-style: chr15-89866091-A-G.
Other names: c.2308T>C, p.Phe770Leu (NM_001126131.2); short protein forms F770L.
Identifiers: ClinVar variation 2506285 (VCV002506285.3), dbSNP rs2509227112, ClinGen allele CA393756510.

ClinVar aggregate classification (germline): Uncertain significance. Review status: criteria provided, multiple submitters, no conflicts (2 of 4 stars). 2 submissions from 2 submitters: Uncertain significance (2). Last evaluated 2024-02-26.

Conditions:
Progressive sclerosing poliodystrophy (MTDPS4A). Also called: NEURONAL DEGENERATION OF CHILDHOOD WITH LIVER DISEASE, PROGRESSIVE; ALPERS PROGRESSIVE INFANTILE POLIODYSTROPHY; Alpers-Huttenlocher Syndrome; Alpers Syndrome; ALPERS DIFFUSE DEGENERATION OF CEREBRAL GRAY MATTER WITH HEPATIC CIRRHOSIS; Mitochondrial DNA depletion syndrome 4A (Alpers type). Identifiers: Orphanet 726, MedGen C0205710, MONDO:0008758, OMIM 203700.

Allele frequency attached by ClinVar (database versions not stated): gnomAD exomes below 0.00001.

Submissions (2):

Labcorp Genetics (formerly Invitae), Labcorp
Classification: Uncertain significance for Progressive sclerosing poliodystrophy. Last evaluated: 2024-02-26. Review status: criteria provided, single submitter. Criteria: Invitae Variant Classification Sherloc (09022015). Collection method: clinical testing. Allele origin: germline.
Comment: This sequence change replaces phenylalanine, which is neutral and non-polar, with leucine, which is neutral and non-polar, at codon 770 of the POLG protein (p.Phe770Leu). This variant is not present in population databases (gnomAD no frequency). This missense change has been observed in individual(s) with Alpers-Huttenlocher syndrome (PMID: 33486010). ClinVar contains an entry for this variant (Variation ID: 2506285). Advanced modeling of protein sequence and biophysical properties (such as structural, functional, and spatial information, amino acid conservation, physicochemical variation, residue mobility, and thermodynamic stability) performed at Invitae indicates that this missense variant is expected to disrupt POLG protein function with a positive predictive value of 95%. In summary, the available evidence is currently insufficient to determine the role of this variant in disease. Therefore, it has been classified as a Variant of Uncertain Significance.

Women's Health and Genetics/Laboratory Corporation of America, LabCorp
Classification: Uncertain significance. Last evaluated: 2023-05-24. Review status: criteria provided, single submitter. Criteria: LabCorp Variant Classification Summary - May 2015. Collection method: clinical testing. Allele origin: germline.

Literature cited by the submitters: PubMed 33486010 (cited by Labcorp Genetics (formerly Invitae), Labcorp).